The following is an entry in ClinVar:

ClinVar aggregate classification (germline): Conflicting classifications of pathogenicity. Review status: criteria provided, conflicting classifications (1 of 4 stars). 3 submissions from 3 submitters: Uncertain significance (2); Likely benign (1). Last evaluated 2025-12-25.

Conditions:
Premature ovarian failure 3 (POF3). Identifiers: MedGen C1837008, MONDO:0012169, OMIM 608996.
Blepharophimosis, ptosis, and epicanthus inversus syndrome. Identifiers: Orphanet 126, MedGen C0220663, MONDO:0007201, OMIM 110100.

Submissions (3):

Labcorp Genetics (formerly Invitae), Labcorp
Classification: Likely benign. Last evaluated: 2025-12-25. Review status: criteria provided, single submitter. Criteria: Invitae Variant Classification Sherloc (09022015). Collection method: clinical testing. Allele origin: germline.

Fulgent Genetics
Classification: Uncertain significance for Blepharophimosis, ptosis, and epicanthus inversus syndrome; Premature ovarian failure 3. Last evaluated: 2022-03-23. Review status: criteria provided, single submitter. Criteria: ACMG Guidelines, 2015. Collection method: clinical testing. Allele origin: unknown.

GeneDx
Classification: Uncertain significance. Last evaluated: 2020-03-26. Review status: criteria provided, single submitter. Criteria: GeneDx Variant Classification Process June 2021. Collection method: clinical testing. Allele origin: germline. Affected: yes.
Comment: Has been previously reported in a single individual with anal squamous cell carcinoma from a large cohort of individuals with various cancer diagnoses who underwent large panel testing; however this individual also harbored a nonsense variant in the IFNGR1 gene and a initiator Methionine codon variant in the RAD50 gene (Schrader et al., 2016); In-frame deletion of 1 amino acids in a non-repeat region; In silico analysis supports that this variant does not alter protein structure/function; This variant is associated with the following publications: (PMID: 26556299)

NM_023067.4(FOXL2):c.672_674del (p.Ala234del)

Gene: FOXL2 (forkhead box L2; minus strand). Cytogenetic location: 3q22.3.
Variant type: Deletion.
Coding change: c.672_674del on transcript NM_023067.4 (MANE Select); coding-DNA positions 672 to 674, 3 bases deleted (AGC; older notation c.672_674delAGC).
Protein change: p.Ala234del; deletes alanine 234.
Molecular consequence: inframe deletion.
Genome position (GRCh38, 1-based): chr3:138,946,049-138,946,051, GCT deleted on the plus strand (AGC on the coding strand, the reverse complement: FOXL2 is on the minus strand); deleting any 3 consecutive bases within chr3:138,946,049-138,946,053 gives the same sequence; the c. name uses the placement nearest the transcript's 3' end. VCF-style (leftmost placement, unchanged base first): chr3-138946048-CGCT-C. GRCh37 (hg19) VCF-style: chr3-138664890-CGCT-C.
Other names: short protein forms A234del.
Identifiers: ClinVar variation 1318744 (VCV001318744.7), dbSNP rs779509486, ClinGen allele CA2639747.